The following is an entry in ClinVar:

NC_000001.10:g.(?_9770494)_(9787124_?)del

Gene: PIK3CD (phosphatidylinositol-4,5-bisphosphate 3-kinase catalytic subunit delta; plus strand). Cytogenetic location: 1p36.22.
Variant type: Deletion.
Identifiers: ClinVar variation 1003857 (VCV001003857.1).

ClinVar aggregate classification (germline): Uncertain significance (1 of 4 stars; one submission).

Conditions:
Immunodeficiency 14 (IMD14A). Also called: ACTIVATED PI3K-DELTA SYNDROME 1; IMMUNODEFICIENCY 14A WITH LYMPHOPROLIFERATION, AUTOSOMAL DOMINANT; Activated PI3K Delta Syndrome Type 1 (APDS1); p110-DELTA-ACTIVATING MUTATION CAUSING SENESCENT T CELLS, LYMPHADENOPATHY, AND IMMUNODEFICIENCY. Identifiers: Orphanet 397596, Orphanet 693661, MedGen C5907821, MONDO:0014222, OMIM 615513.

Submission:

Labcorp Genetics (formerly Invitae), Labcorp
Classification: Uncertain significance for Activated PI3K-delta syndrome. Last evaluated: 2020-04-14. Review status: criteria provided, single submitter. Criteria: Invitae Variant Classification Sherloc (09022015). Collection method: clinical testing. Allele origin: germline.
Comment: A gross deletion of the genomic region encompassing the full coding sequence of the PIK3CD gene has been identified. The boundaries of this event are unknown as the deletion extends beyond the assayed region for this gene and therefore may encompass additional genes. This variant has not been reported in the literature in individuals with PIK3CD-related conditions. The current clinical and genetic evidence is not sufficient to establish whether loss-of-function variants in PIK3CD cause disease. In summary, the available evidence is currently insufficient to determine the role of this variant in disease. Therefore, it has been classified as a Variant of Uncertain Significance.